The following is an entry in ClinVar:

NM_000088.4(COL1A1):c.470G>A (p.Gly157Glu)

Gene: COL1A1 (collagen type I alpha 1 chain; minus strand). Cytogenetic location: 17q21.33.
Variant type: single nucleotide variant.
Coding change: c.470G>A on transcript NM_000088.4 (MANE Select); coding-DNA position 470, G replaced by A.
Protein change: p.Gly157Glu; replaces glycine 157 with glutamic acid.
Molecular consequence: missense variant.
Genome position (GRCh38, 1-based): chr17:50,199,227, C>T on the plus strand (G>A on the coding strand, the complement: COL1A1 is on the minus strand). VCF-style: chr17-50199227-C-T. GRCh37 (hg19) VCF-style: chr17-48276588-C-T.
Other names: short protein forms G157E.
Identifiers: ClinVar variation 3898414 (VCV003898414.7).

ClinVar aggregate classification (germline): Uncertain significance (1 of 4 stars; one submission).

Submission:

CeGaT Center for Human Genetics Tuebingen
Classification: Uncertain significance. Last evaluated: 2025-04-01. Review status: criteria provided, single submitter. Criteria: CeGaT Center For Human Genetics Tuebingen Variant Classification Criteria Version 2. Collection method: clinical testing. Allele origin: germline. Affected: yes. Observed: 1 variant allele.
Comment: COL1A1: PM2, PS2:Moderate, PP3